The following is an entry in ClinVar:

NM_177438.3(DICER1):c.5527+6G>T

Gene: DICER1 (dicer 1, ribonuclease III; minus strand). Cytogenetic location: 14q32.13.
Variant type: single nucleotide variant.
Coding change: c.5527+6G>T on transcript NM_177438.3 (MANE Select); 6 bases into the intron after coding-DNA position 5527, G replaced by T.
Molecular consequence: intron variant.
Genome position (GRCh38, 1-based): chr14:95,091,197, C>A on the plus strand (G>T on the coding strand, the complement: DICER1 is on the minus strand). VCF-style: chr14-95091197-C-A. GRCh37 (hg19) VCF-style: chr14-95557534-C-A.
Other names: c.5527+6G>T (NM_001291628.2, NM_030621.4, NM_001271282.3); c.5365-88G>T (NM_001195573.1).
Identifiers: ClinVar variation 950476 (VCV000950476.11), dbSNP rs1889785983, ClinGen allele CA1139663684.

ClinVar aggregate classification (germline): Uncertain significance (1 of 4 stars; one submission).

Conditions:
DICER1-related tumor predisposition. Also called: DICER1 syndrome; DICER1-related pleuropulmonary blastoma cancer predisposition syndrome. Identifiers: Orphanet 284343, MedGen C3839822, MONDO:0100216.

Allele frequency attached by ClinVar (database versions not stated): gnomAD exomes below 0.00001.
gnomAD v4.1: 1 of 1,614,052 alleles (0.000062%); highest among the groups gnomAD compares: Non-Finnish European, 0.000085%; no homozygotes.

Submission:

Labcorp Genetics (formerly Invitae), Labcorp
Classification: Uncertain significance for DICER1-related tumor predisposition. Last evaluated: 2024-04-18. Review status: criteria provided, single submitter. Criteria: Invitae Variant Classification Sherloc (09022015). Collection method: clinical testing. Allele origin: germline.
Comment: This sequence change falls in intron 25 of the DICER1 gene. It does not directly change the encoded amino acid sequence of the DICER1 protein. It affects a nucleotide within the consensus splice site. This variant is not present in population databases (gnomAD no frequency). This variant has not been reported in the literature in individuals affected with DICER1-related conditions. ClinVar contains an entry for this variant (Variation ID: 950476). Variants that disrupt the consensus splice site are a relatively common cause of aberrant splicing (PMID: 17576681, 9536098). Algorithms developed to predict the effect of sequence changes on RNA splicing suggest that this variant is not likely to affect RNA splicing. In summary, the available evidence is currently insufficient to determine the role of this variant in disease. Therefore, it has been classified as a Variant of Uncertain Significance.

Literature cited by the submitters: PubMed 17576681; PubMed 9536098.